The following is an entry in ClinVar:

ClinVar aggregate classification (germline): Pathogenic (1 of 4 stars; one submission).

Submission:

Athena Diagnostics
Classification: Pathogenic. Last evaluated: 2019-06-26. Review status: criteria provided, single submitter. Criteria: Athena Diagnostics Criteria. Collection method: clinical testing. Allele origin: germline.
Comment: The variant disrupts a canonical splice site, and is therefore predicted to result in the loss of a functional protein. Found in at least one symptomatic patient, and not found in general population data.

NM_033380.3(COL4A5):c.781-1G>A

Gene: COL4A5 (collagen type IV alpha 5 chain; plus strand). Cytogenetic location: Xq22.3.
Variant type: single nucleotide variant.
Coding change: c.781-1G>A on transcript NM_033380.3 (MANE Select); the canonical splice acceptor site of the intron before coding-DNA position 781, G replaced by A.
Molecular consequence: splice acceptor variant.
Genome position (GRCh38, 1-based): chrX:108,580,532, G>A. VCF-style: chrX-108580532-G-A. GRCh37 (hg19) VCF-style: chrX-107823762-G-A.
Other names: c.781-1G>A (NM_000495.5).
Identifiers: ClinVar variation 804591 (VCV000804591.1), dbSNP rs1603283547, ClinGen allele CA413925490.